The following is an entry in ClinVar:

ClinVar aggregate classification (germline): Uncertain significance (1 of 4 stars; one submission).

Conditions:
Long QT syndrome (LQTS). Identifiers: MedGen C0023976, MeSH D008133, MONDO:0002442. Disease mechanism: loss of function. Inheritance: Various modes of inheritance.

Submission:

Labcorp Genetics (formerly Invitae), Labcorp
Classification: Uncertain significance for Long QT syndrome. Last evaluated: 2024-11-30. Review status: criteria provided, single submitter. Criteria: Invitae Variant Classification Sherloc (09022015). Collection method: clinical testing. Allele origin: germline.
Comment: This sequence change replaces alanine, which is neutral and non-polar, with glutamic acid, which is acidic and polar, at codon 62 of the KCNQ1 protein (p.Ala62Glu). This variant is not present in population databases (gnomAD no frequency). This variant has not been reported in the literature in individuals affected with KCNQ1-related conditions. Invitae Evidence Modeling of protein sequence and biophysical properties (such as structural, functional, and spatial information, amino acid conservation, physicochemical variation, residue mobility, and thermodynamic stability) indicates that this missense variant is not expected to disrupt KCNQ1 protein function with a negative predictive value of 95%. In summary, the available evidence is currently insufficient to determine the role of this variant in disease. Therefore, it has been classified as a Variant of Uncertain Significance.

NM_000218.3(KCNQ1):c.185C>A (p.Ala62Glu)

Gene: KCNQ1 (potassium voltage-gated channel subfamily Q member 1; plus strand). Cytogenetic location: 11p15.5.
Variant type: single nucleotide variant.
Coding change: c.185C>A on transcript NM_000218.3 (MANE Select); coding-DNA position 185, C replaced by A.
Protein change: p.Ala62Glu; replaces alanine 62 with glutamic acid.
Molecular consequence: missense variant. On other transcripts: 5 prime UTR variant (1).
Genome position (GRCh38, 1-based): chr11:2,445,283, C>A. VCF-style: chr11-2445283-C-A. GRCh37 (hg19) VCF-style: chr11-2466513-C-A.
Other names: c.185C>A, p.Ala62Glu (NM_001406836.1, NM_001406838.1); c.-178C>A (NM_001406837.1); short protein forms A62E.
Identifiers: ClinVar variation 3628198 (VCV003628198.2).